The following is an entry in ClinVar:

ClinVar aggregate classification (germline): Uncertain significance (1 of 4 stars; one submission).

Conditions:
Familial adenomatous polyposis 1 (FAP1). Also called: POLYPOSIS, ADENOMATOUS INTESTINAL; FAMILIAL ADENOMATOUS POLYPOSIS 1, ATTENUATED. Identifiers: MedGen C2713442, MONDO:0021056, OMIM 175100. Disease mechanism: loss of function.

Submission:

Labcorp Genetics (formerly Invitae), Labcorp
Classification: Uncertain significance for Familial adenomatous polyposis 1. Last evaluated: 2023-10-04. Review status: criteria provided, single submitter. Criteria: Invitae Variant Classification Sherloc (09022015). Collection method: clinical testing. Allele origin: germline.
Comment: This sequence change replaces glutamic acid, which is acidic and polar, with lysine, which is basic and polar, at codon 2688 of the APC protein (p.Glu2688Lys). This variant is not present in population databases (gnomAD no frequency). This variant has not been reported in the literature in individuals affected with APC-related conditions. Advanced modeling of protein sequence and biophysical properties (such as structural, functional, and spatial information, amino acid conservation, physicochemical variation, residue mobility, and thermodynamic stability) performed at Invitae indicates that this missense variant is not expected to disrupt APC protein function. In summary, the available evidence is currently insufficient to determine the role of this variant in disease. Therefore, it has been classified as a Variant of Uncertain Significance.

NM_000038.6(APC):c.8062G>A (p.Glu2688Lys)

Gene: APC (APC regulator of Wnt signaling pathway; plus strand). Cytogenetic location: 5q22.2.
Variant type: single nucleotide variant.
Coding change: c.8062G>A on transcript NM_000038.6 (MANE Select); coding-DNA position 8062, G replaced by A.
Protein change: p.Glu2688Lys; replaces glutamic acid 2688 with lysine.
Molecular consequence: missense variant. On other transcripts: non-coding transcript variant (2).
Genome position (GRCh38, 1-based): chr5:112,843,656, G>A. VCF-style: chr5-112843656-G-A. GRCh37 (hg19) VCF-style: chr5-112179353-G-A.
Other names: c.8062G>A, p.Glu2688Lys (NM_001127510.3, NM_001354895.2, NM_001407450.1); c.8008G>A, p.Glu2670Lys (NM_001127511.3); c.8116G>A, p.Glu2706Lys (NM_001354896.2, NM_001407447.1, NM_001407448.1 and 1 more transcripts); c.8092G>A, p.Glu2698Lys (NM_001354897.2); c.7987G>A, p.Glu2663Lys (NM_001354898.2); c.7978G>A, p.Glu2660Lys (NM_001354899.2); c.7939G>A, p.Glu2647Lys (NM_001354900.2); c.7885G>A, p.Glu2629Lys (NM_001354901.2, NM_001407453.1); and 11 more; short protein forms E2587K, E2663K, E2681K, E2716K, E2605K, E2670K, E2706K, E2304K.
Identifiers: ClinVar variation 2765326 (VCV002765326.3), dbSNP rs2149998662, ClinGen allele CA16038833.